The following is an entry in ClinVar:

ClinVar aggregate classification (germline): Likely benign. Review status: criteria provided, multiple submitters, no conflicts (2 of 4 stars). 2 submissions from 2 submitters: Likely benign (2). Last evaluated 2024-11-26.

Allele frequency attached by ClinVar (database versions not stated): gnomAD exomes 0.00003; ExAC 0.00425.

Submissions (2):

Blueprint Genetics
Classification: Likely benign. Last evaluated: 2024-11-26. Review status: criteria provided, single submitter. Criteria: ACMG Guidelines, 2015. Collection method: clinical testing. Allele origin: germline.

CeGaT Center for Human Genetics Tuebingen
Classification: Likely benign. Last evaluated: 2022-11-01. Review status: criteria provided, single submitter. Criteria: CeGaT Center For Human Genetics Tuebingen Variant Classification Criteria Version 2. Collection method: clinical testing. Allele origin: germline. Affected: yes. Observed: 1 variant allele.
Comment: DSPP: BP4, BP7

NM_014208.3(DSPP):c.3471C>T (p.Ser1157=)

Genes: DMP1-AS1 (DMP1 and DSPP antisense RNA 1; minus strand), DSPP (dentin sialophosphoprotein; plus strand). Cytogenetic location: 4q22.1.
Variant type: single nucleotide variant.
Coding change: c.3471C>T on transcript NM_014208.3 (MANE Select); coding-DNA position 3471, C replaced by T.
Protein change: p.Ser1157=; no amino-acid change (serine 1157 retained).
Molecular consequence: synonymous variant.
Genome position (GRCh38, 1-based): chr4:87,616,133, C>T. VCF-style: chr4-87616133-C-T. GRCh37 (hg19) VCF-style: chr4-88537285-C-T.
Identifiers: ClinVar variation 2654920 (VCV002654920.25), dbSNP rs761190313, ClinGen allele CA3001724.